The following is an entry in ClinVar:

NM_014391.3(ANKRD1):c.346-11T>A

Gene: ANKRD1 (ankyrin repeat domain 1; minus strand). Cytogenetic location: 10q23.31.
Variant type: single nucleotide variant.
Coding change: c.346-11T>A on transcript NM_014391.3 (MANE Select); 11 bases into the intron before coding-DNA position 346, T replaced by A.
Molecular consequence: intron variant.
Genome position (GRCh38, 1-based): chr10:90,918,983, A>T on the plus strand (T>A on the coding strand, the complement: ANKRD1 is on the minus strand). VCF-style: chr10-90918983-A-T. GRCh37 (hg19) VCF-style: chr10-92678740-A-T.
Identifiers: ClinVar variation 1213532 (VCV001213532.11), dbSNP rs1371295947, ClinGen allele CA669780902.

ClinVar aggregate classification (germline): Conflicting classifications of pathogenicity. Review status: criteria provided, conflicting classifications (1 of 4 stars). 2 submissions from 2 submitters: Uncertain significance (1); Likely benign (1). Last evaluated 2025-12-27.

Conditions:
ANKRD1-related dilated cardiomyopathy. Identifiers: MedGen CN119551.

Allele frequency attached by ClinVar (database versions not stated): gnomAD exomes below 0.00001.
gnomAD v4.1: 3 of 1,408,680 alleles (0.00021%); highest among the groups gnomAD compares: Non-Finnish European, 0.00028%; no homozygotes.

Submissions (2):

Labcorp Genetics (formerly Invitae), Labcorp
Classification: Likely benign for ANKRD1-related dilated cardiomyopathy. Last evaluated: 2025-12-27. Review status: criteria provided, single submitter. Criteria: Invitae Variant Classification Sherloc (09022015). Collection method: clinical testing. Allele origin: germline.

GeneDx
Classification: Uncertain significance. Last evaluated: 2020-12-30. Review status: criteria provided, single submitter. Criteria: GeneDx Variant Classification Process June 2021. Collection method: clinical testing. Allele origin: germline. Affected: yes.
Comment: Has not been previously published as pathogenic or benign to our knowledge; Not observed in large population cohorts (Lek et al., 2016); In-silico analysis, which includes splice predictors and evolutionary conservation, is inconclusive as to whether the variant alters gene splicing. In the absence of RNA/functional studies, the actual effect of this sequence change is unknown.